The following is an entry in ClinVar:

ClinVar aggregate classification (germline): Uncertain significance. Review status: criteria provided, multiple submitters, no conflicts (2 of 4 stars). 4 submissions from 4 submitters: Uncertain significance (4). Last evaluated 2025-09-10.

Conditions:
Infantile hypotonia-oculomotor anomalies-hyperkinetic movements-developmental delay syndrome. Also called: BAKER-GORDON SYNDROME; NEURODEVELOPMENTAL DISORDER WITH INVOLUNTARY MOVEMENT AND ABNORMAL ELECTROENCEPHALOGRAM. Identifiers: Orphanet 522077, MedGen C4748715, MONDO:0033864, OMIM 618218.

gnomAD v4.1: 14 of 1,614,140 alleles (0.00087%); highest among the groups gnomAD compares: Middle Eastern, 0.21%; no homozygotes.

Submissions (4):

Genomic Medicine Center of Excellence, King Faisal Specialist Hospital and Research Centre
Classification: Uncertain significance for Infantile hypotonia-oculomotor anomalies-hyperkinetic movements-developmental delay syndrome. Last evaluated: 2025-09-10. Review status: criteria provided, single submitter. Criteria: ACMG Guidelines, 2015. Collection method: clinical testing. Allele origin: germline.

Labcorp Genetics (formerly Invitae), Labcorp
Classification: Uncertain significance. Last evaluated: 2025-06-03. Review status: criteria provided, single submitter. Criteria: Invitae Variant Classification Sherloc (09022015). Collection method: clinical testing. Allele origin: germline.
Comment: This sequence change replaces glutamic acid, which is acidic and polar, with glycine, which is neutral and non-polar, at codon 76 of the HYOU1 protein (p.Glu76Gly). This variant is not present in population databases (gnomAD no frequency). This variant has not been reported in the literature in individuals affected with HYOU1-related conditions. ClinVar contains an entry for this variant (Variation ID: 1007627). An algorithm developed to predict the effect of missense changes on protein structure and function (PolyPhen-2) suggests that this variant is likely to be tolerated. In summary, the available evidence is currently insufficient to determine the role of this variant in disease. Therefore, it has been classified as a Variant of Uncertain Significance.

Blueprint Genetics
Classification: Uncertain significance. Last evaluated: 2024-09-09. Review status: criteria provided, single submitter. Criteria: ACMG Guidelines, 2015. Collection method: clinical testing. Allele origin: germline.

Breakthrough Genomics
Classification: Uncertain significance. Review status: criteria provided, single submitter. Criteria: ACMG Guidelines, 2015. Collection method: not provided. Allele origin: germline. Inheritance: Autosomal recessive inheritance. Affected: yes.

NM_006389.5(HYOU1):c.227A>G (p.Glu76Gly)

Gene: HYOU1 (hypoxia up-regulated 1; minus strand). Cytogenetic location: 11q23.3.
Variant type: single nucleotide variant.
Coding change: c.227A>G on transcript NM_006389.5 (MANE Select); coding-DNA position 227, A replaced by G.
Protein change: p.Glu76Gly; replaces glutamic acid 76 with glycine.
Molecular consequence: missense variant.
Genome position (GRCh38, 1-based): chr11:119,055,530, T>C on the plus strand (A>G on the coding strand, the complement: HYOU1 is on the minus strand). VCF-style: chr11-119055530-T-C. GRCh37 (hg19) VCF-style: chr11-118926242-T-C.
Other names: c.227A>G, p.Glu76Gly (NM_001130991.3); short protein forms E76G.
Identifiers: ClinVar variation 1007627 (VCV001007627.11), dbSNP rs866185400, ClinGen allele CA229649228.